The following is an entry in ClinVar:

ClinVar aggregate classification (germline): Likely benign. Review status: criteria provided, multiple submitters, no conflicts (2 of 4 stars). 2 submissions from 2 submitters: Likely benign (2). Last evaluated 2025-06-10.

Conditions:
Tuberous sclerosis 2 (TSC2). Identifiers: Orphanet 805, MedGen C1860707, MONDO:0013199, OMIM 613254.

Allele frequency attached by ClinVar (database versions not stated): gnomAD 0.00001.
gnomAD v4.1: 1 of 1,601,018 alleles (0.000062%); highest among the groups gnomAD compares: Non-Finnish European, 0.000085%; no homozygotes.

Submissions (2):

Labcorp Genetics (formerly Invitae), Labcorp
Classification: Likely benign for Tuberous sclerosis 2. Last evaluated: 2025-06-10. Review status: criteria provided, single submitter. Criteria: Invitae Variant Classification Sherloc (09022015). Collection method: clinical testing. Allele origin: germline.

Myriad Genetics, Inc.
Classification: Likely benign for Tuberous sclerosis 2. Last evaluated: 2025-05-13. Review status: criteria provided, single submitter. Criteria: Myriad Autosomal Dominant, Autosomal Recessive and X-Linked Classification Criteria (2023). Collection method: clinical testing. Allele origin: unknown.
Comment: This variant is considered likely benign. This variant is intronic and is not expected to impact mRNA splicing.

NM_000548.5(TSC2):c.1361+7G>T

Gene: TSC2 (TSC complex subunit 2; plus strand). Cytogenetic location: 16p13.3.
Variant type: single nucleotide variant.
Coding change: c.1361+7G>T on transcript NM_000548.5 (MANE Select); 7 bases into the intron after coding-DNA position 1361, G replaced by T.
Molecular consequence: intron variant.
Genome position (GRCh38, 1-based): chr16:2,062,607, G>T. VCF-style: chr16-2062607-G-T. GRCh37 (hg19) VCF-style: chr16-2112608-G-T.
Other names: c.1361+7G>T (NM_001114382.3, NM_021055.3, NM_001370405.1 and 3 more transcripts); c.1250+7G>T (NM_001318827.2); c.761+7G>T (NM_001318831.2); c.1214+7G>T (NM_001318829.2); c.1394+7G>T (NM_001318832.2).
Identifiers: ClinVar variation 757177 (VCV000757177.11), dbSNP rs1248857340, ClinGen allele CA620373510.